The following is an entry in ClinVar:

ClinVar aggregate classification (germline): Uncertain significance. Review status: criteria provided, multiple submitters, no conflicts (2 of 4 stars). 2 submissions from 2 submitters: Uncertain significance (2). Last evaluated 2022-08-23.

Conditions:
Rhizomelic chondrodysplasia punctata type 2 (RCDP2). Also called: PEROXISOMAL DIHYDROXYACETONEPHOSPHATE ACYLTRANSFERASE DEFICIENCY; Chondrodysplasia punctata, rhizomelic, due to dihydroxyacetonephosphate acyltransferase deficiency; DHAPAT DEFICIENCY; DIHYDROXYACETONEPHOSPHATE ACYLTRANSFERASE DEFICIENCY; Glyceronephosphate O-acyltransferase deficiency; glyceronephosphate O-acyltransferase (GNPAT) deficiency. Identifiers: Orphanet 177, Orphanet 309796, MedGen C1857242, MONDO:0100273, OMIM 222765. Disease mechanism: loss of function.

Allele frequency attached by ClinVar (database versions not stated): ExAC 0.00001; gnomAD exomes 0.00001; TOPMed 0.00001; gnomAD 0.00002.
gnomAD v4.1: 33 of 1,593,978 alleles (0.0021%); highest among the groups gnomAD compares: Non-Finnish European, 0.0028%; no homozygotes.

Submissions (2):

Labcorp Genetics (formerly Invitae), Labcorp
Classification: Uncertain significance. Last evaluated: 2022-08-23. Review status: criteria provided, single submitter. Criteria: Invitae Variant Classification Sherloc (09022015). Collection method: clinical testing. Allele origin: germline.
Comment: This sequence change replaces lysine, which is basic and polar, with isoleucine, which is neutral and non-polar, at codon 674 of the GNPAT protein (p.Lys674Ile). This variant is present in population databases (rs756465630, gnomAD 0.002%). This variant has not been reported in the literature in individuals affected with GNPAT-related conditions. ClinVar contains an entry for this variant (Variation ID: 994039). Algorithms developed to predict the effect of missense changes on protein structure and function are either unavailable or do not agree on the potential impact of this missense change (SIFT: "Deleterious"; PolyPhen-2: "Probably Damaging"; Align-GVGD: "Class C0"). In summary, the available evidence is currently insufficient to determine the role of this variant in disease. Therefore, it has been classified as a Variant of Uncertain Significance.

ARUP Laboratories, Molecular Genetics and Genomics, ARUP Laboratories
Classification: Uncertain significance for Rhizomelic chondrodysplasia punctata type 2. Last evaluated: 2019-09-12. Review status: criteria provided, single submitter. Criteria: ARUP Molecular Germline Variant Investigation Process. Collection method: clinical testing. Allele origin: germline.
Comment: The GNPAT c.2021A>T; p.Lys674Ile variant (rs756465630), to our knowledge, is not reported in the medical literature or gene-specific databases. This variant is found on only three chromosomes (3/282854 alleles) in the Genome Aggregation Database, indicating it is not a common polymorphism. The lysine at codon 674 is moderately conserved, and computational analyses (SIFT, PolyPhen-2) predict that this variant is deleterious. However, due to limited information, the clinical significance of the p.Lys674Ile variant is uncertain at this time.

NM_014236.4(GNPAT):c.2021A>T (p.Lys674Ile)

Gene: GNPAT (glyceronephosphate O-acyltransferase; plus strand). Cytogenetic location: 1q42.2.
Variant type: single nucleotide variant.
Coding change: c.2021A>T on transcript NM_014236.4 (MANE Select); coding-DNA position 2021, A replaced by T.
Protein change: p.Lys674Ile; replaces lysine 674 with isoleucine.
Molecular consequence: missense variant.
Genome position (GRCh38, 1-based): chr1:231,277,520, A>T. VCF-style: chr1-231277520-A-T. GRCh37 (hg19) VCF-style: chr1-231413266-A-T.
Other names: c.1838A>T, p.Lys613Ile (NM_001316350.2); short protein forms K613I, K674I.
Identifiers: ClinVar variation 994039 (VCV000994039.14), dbSNP rs756465630, ClinGen allele CA1452200.